The following is an entry in ClinVar:

ClinVar aggregate classification (germline): Uncertain significance (1 of 4 stars; one submission).

Conditions:
PCNT-related disorder. Also called: PCNT-related condition.

Allele frequency attached by ClinVar (database versions not stated): ExAC 0.00001; TOPMed 0.00002; gnomAD 0.00003.
gnomAD v4.1: 18 of 1,603,292 alleles (0.0011%); highest among the groups gnomAD compares: Admixed American, 0.0017%; no homozygotes.

Submission:

PreventionGenetics, part of Exact Sciences
Classification: Uncertain significance for PCNT-related condition. Last evaluated: 2026-04-02. Review status: criteria provided, single submitter. Criteria: ACMG Guidelines, 2015. Collection method: clinical testing. Allele origin: germline.
Comment: The PCNT c.6853G>A variant is predicted to result in the amino acid substitution p.Ala2285Thr. To our knowledge, this variant has not been reported in the literature. This variant is reported in 0.0025% of alleles in individuals of European (Non-Finnish) descent in gnomAD. At this time, the clinical significance of this variant is uncertain due to the absence of conclusive functional and genetic evidence.

NM_006031.6(PCNT):c.6853G>A (p.Ala2285Thr)

Gene: PCNT (pericentrin; plus strand). Cytogenetic location: 21q22.3.
Variant type: single nucleotide variant.
Coding change: c.6853G>A on transcript NM_006031.6 (MANE Select); coding-DNA position 6853, G replaced by A.
Protein change: p.Ala2285Thr; replaces alanine 2285 with threonine.
Molecular consequence: missense variant.
Genome position (GRCh38, 1-based): chr21:46,416,771, G>A. VCF-style: chr21-46416771-G-A. GRCh37 (hg19) VCF-style: chr21-47836685-G-A.
Other names: c.6499G>A, p.Ala2167Thr (NM_001315529.2); short protein forms A2167T, A2285T.
Identifiers: ClinVar variation 2634464 (VCV002634464.4), dbSNP rs776919543, ClinGen allele CA10080420.